The following is an entry in ClinVar:

ClinVar aggregate classification (germline): Likely pathogenic (1 of 4 stars; one submission).

Conditions:
Developmental and epileptic encephalopathy, 62. Also called: Early infantile epileptic encephalopathy 62. Identifiers: MedGen C4693699, MONDO:0033371, OMIM 617938.

Submission:

Neuberg Centre For Genomic Medicine, NCGM
Classification: Likely pathogenic for Developmental and epileptic encephalopathy, 62. Last evaluated: 2023-05-20. Review status: criteria provided, single submitter. Criteria: ACMG Guidelines, 2015. Collection method: clinical testing. Allele origin: germline. Inheritance: Autosomal dominant inheritance. Affected: yes.
Comment: The splice site c.4431+1A>G variant in the SCN3A gene has not been reported previously as a pathogenic variant nor as a benign variant, to our knowledge. This variant is absent in the gnomAD Exomes. This variant change affects the donor splice site in intron 25 of the SCN3A gene. Loss of function variants in this gene has been previously reported in ClinVar as Pathogenic/Likely Pathogenic. For these reasons, this variant has been classified as Likely Pathogenic.

NM_006922.4(SCN3A):c.4431+1A>G

Gene: SCN3A (sodium voltage-gated channel alpha subunit 3; minus strand). Cytogenetic location: 2q24.3.
Variant type: single nucleotide variant.
Coding change: c.4431+1A>G on transcript NM_006922.4 (MANE Select); the canonical splice donor site of the intron after coding-DNA position 4431, A replaced by G.
Molecular consequence: splice donor variant.
Genome position (GRCh38, 1-based): chr2:165,095,510, T>C on the plus strand (A>G on the coding strand, the complement: SCN3A is on the minus strand). VCF-style: chr2-165095510-T-C. GRCh37 (hg19) VCF-style: chr2-165952020-T-C.
Other names: c.4284+1A>G (NM_001081676.2, NM_001081677.2).
Identifiers: ClinVar variation 3367041 (VCV003367041.1).
Genomic context (GRCh38, chr2:165,095,510, plus strand): 5'-TTGGCTGTATTAACAGACAGAACCCCAGAATGAAGAAAGGTAAAAGCTAAAGAATACTTA[T>C]CTTCTTTTTCTGCTGGTTGAAGTTATCTATGATGACACCAATGAATAGATTCAGAGTGAA-3'